The following is an entry in ClinVar:

NM_001621.5(AHR):c.668G>A (p.Arg223His)

Gene: AHR (aryl hydrocarbon receptor; plus strand). Cytogenetic location: 7p21.1.
Variant type: single nucleotide variant.
Coding change: c.668G>A on transcript NM_001621.5 (MANE Select); coding-DNA position 668, G replaced by A.
Protein change: p.Arg223His; replaces arginine 223 with histidine.
Molecular consequence: missense variant.
Genome position (GRCh38, 1-based): chr7:17,330,849, G>A. VCF-style: chr7-17330849-G-A. GRCh37 (hg19) VCF-style: chr7-17370473-G-A.
Other names: short protein forms R223H.
Identifiers: ClinVar variation 1956467 (VCV001956467.2), dbSNP rs781141998, ClinGen allele CA4171898.

ClinVar aggregate classification (germline): Uncertain significance (1 of 4 stars; one submission).

Allele frequency attached by ClinVar (database versions not stated): gnomAD 0.00001; gnomAD exomes 0.00001; TOPMed 0.00001; ExAC 0.00002.
gnomAD v4.1: 21 of 1,612,164 alleles (0.0013%); highest among the groups gnomAD compares: Non-Finnish European, 0.0017%; no homozygotes.

Submission:

Labcorp Genetics (formerly Invitae), Labcorp
Classification: Uncertain significance. Last evaluated: 2022-07-27. Review status: criteria provided, single submitter. Criteria: Invitae Variant Classification Sherloc (09022015). Collection method: clinical testing. Allele origin: germline.
Comment: This sequence change replaces arginine, which is basic and polar, with histidine, which is basic and polar, at codon 223 of the AHR protein (p.Arg223His). This variant is present in population databases (rs781141998, gnomAD 0.003%). This variant has not been reported in the literature in individuals affected with AHR-related conditions. Algorithms developed to predict the effect of missense changes on protein structure and function (SIFT, PolyPhen-2, Align-GVGD) all suggest that this variant is likely to be disruptive. In summary, the available evidence is currently insufficient to determine the role of this variant in disease. Therefore, it has been classified as a Variant of Uncertain Significance.